The following is an entry in ClinVar:

ClinVar aggregate classification (germline): Pathogenic (1 of 4 stars; one submission).

Submission:

Quest Diagnostics Nichols Institute San Juan Capistrano
Classification: Pathogenic. Last evaluated: 2023-05-03. Review status: criteria provided, single submitter. Criteria: ACMG/ClinGen CNV Guidelines, 2019. Collection method: clinical testing. Allele origin: unknown.
Comment: This loss involves multiple protein-coding genes. Haploinsufficiency of KCNH2 is associated with autosomal dominant long QT syndrome 2 (OMIM 613688, Singer 2021). A heterozygous deletion involving the full EZH2 gene was identified in an individual with some overlapping features of Weaver Syndrome (Suri 2017). There are no similar copy number losses spanning this region in the general populations of the Database of Genomic Variants. Thus, based on gene content and current medical literature, this copy number variant (CNV) is classified as pathogenic. References: Singer et al., Genet Med. 2021 Jan;23(1):86-93. PMID: 32973354 Suri et al., Am J Med Genet A. 2017 Oct;173(10):2731-2735. PMID: 28696078

GRCh37/hg19 7q36.1(chr7:148538593-150967829)x1

Genes: TMEM176B (transmembrane protein 176B; minus strand), ZNF425 (zinc finger protein 425; minus strand), ZNF467 (zinc finger protein 467; minus strand), ZNF746 (zinc finger protein 746; minus strand), TMUB1 (transmembrane and ubiquitin like domain containing 1; minus strand) and 46 more. Cytogenetic location: 7q36.1.
Variant type: copy number loss.
Change: copy number 1 (one copy instead of two) of chr7:148,538,593-150,967,829 (2.43 Mb, GRCh37 coordinates, 1-based), cytogenetic band 7q36.1.
Identifiers: ClinVar variation 2685275 (VCV002685275.1).